The following is an entry in ClinVar:

NM_001355436.2(SPTB):c.3434del (p.Gly1145fs)

Gene: SPTB (spectrin beta, erythrocytic; minus strand). Cytogenetic location: 14q23.3.
Variant type: Deletion.
Coding change: c.3434del on transcript NM_001355436.2 (MANE Select); coding-DNA position 3434, one base deleted (G; older notation c.3434delG).
Protein change: p.Gly1145fs; shifts the reading frame from glycine 1145.
Molecular consequence: frameshift variant.
Genome position (GRCh38, 1-based): chr14:64,786,531, C deleted on the plus strand (G on the coding strand, the reverse complement: SPTB is on the minus strand); the first of 3 consecutive C bases (chr14:64,786,531-64,786,533); deleting any one gives the same sequence. VCF-style (leftmost placement, unchanged base first): chr14-64786530-GC-G. GRCh37 (hg19) VCF-style: chr14-65253248-GC-G.
Other names: c.3434del, p.Gly1145fs (NM_001024858.4, NM_001355437.2); short protein forms G1145fs.
Identifiers: ClinVar variation 3766673 (VCV003766673.1).
Genomic context (GRCh38, chr14:64,786,530, plus strand): 5'-AGCGAGGGTGTGGCTGCGGCTCTCCCACATCCTGCCCAGGGCATTCCAGCCAGTATCCAG[GC>G]CCTCCAGCCGCTGGCCCAGAAGCAGATACTCTGGGTCCGTCTGGCCTTGGATCACTTTCT-3'

ClinVar aggregate classification (germline): Pathogenic (1 of 4 stars; one submission).

Submission:

ARUP Laboratories, Molecular Genetics and Genomics, ARUP Laboratories
Classification: Pathogenic. Last evaluated: 2024-06-19. Review status: criteria provided, single submitter. Criteria: ARUP Molecular Germline Variant Investigation Process 2024. Collection method: clinical testing. Allele origin: germline.
Comment: The SPTB c.3434del; p.Gly1145Alafs*81 variant, to our knowledge, is not reported in the medical literature or gene specific databases. This variant is also absent from the Genome Aggregation Database (v2.1.1), indicating it is not a common polymorphism. This variant causes a frameshift by deleting a single nucleotide, so it is predicted to result in a truncated protein or mRNA subject to nonsense-mediated decay. Based on available information, this variant is considered to be pathogenic.